The following is an entry in ClinVar:

NM_000152.5(GAA):c.-33+317C>T

Gene: GAA (alpha glucosidase; plus strand). Cytogenetic location: 17q25.3.
Variant type: single nucleotide variant.
Coding change: c.-33+317C>T on transcript NM_000152.5 (MANE Select); 317 bases into the intron after 33 bases upstream of the start codon, C replaced by T.
Molecular consequence: intron variant. On other transcripts: non-coding transcript variant (1).
Genome position (GRCh38, 1-based): chr17:80,102,207, C>T. VCF-style: chr17-80102207-C-T. GRCh37 (hg19) VCF-style: chr17-78076006-C-T.
Other names: c.-33+317C>T (NM_001406741.1, NM_001079803.3); c.-33+282C>T (NM_001406742.1); c.-33+582C>T (NM_001079804.3).
Identifiers: ClinVar variation 4876450 (VCV004876450.1).

ClinVar aggregate classification (germline): Benign (1 of 4 stars; one submission).

Conditions:
Glycogen storage disease, type II (IOPD). Also called: Pompe Disease; CARDIOMEGALIA GLYCOGENICA DIFFUSA; GLYCOGENOSIS, GENERALIZED, CARDIAC FORM; GSD II; POMPE DISEASE, INFANTILE-ONSET; GLYCOGEN STORAGE DISEASE II, INFANTILE-ONSET. Identifiers: Orphanet 365, MedGen C0017921, MONDO:0009290, OMIM 232300.

Submission:

Genomenon, Inc
Classification: Benign for Glycogen storage disease, type II. Last evaluated: 2026-07-01. Review status: criteria provided, single submitter. Criteria: Genomenon Sequence Variant Interpretation Standards - Updated. Collection method: curation. Allele origin: germline. Affected: no.
Comment: GAA c.-33+317C>T is an intronic variant located in the 5′ untranslated region (5′ UTR). This variant is present at high allele frequency in population databases. We classify GAA c.-33+317C>T as a benign variant.